The following is an entry in ClinVar:

ClinVar aggregate classification (germline): Uncertain significance. Review status: criteria provided, multiple submitters, no conflicts (2 of 4 stars). 2 submissions from 2 submitters: Uncertain significance (2). Last evaluated 2025-04-21.

Conditions:
Hereditary cancer-predisposing syndrome. Also called: Tumor predisposition; Hereditary neoplastic syndrome; Hereditary Cancer Syndrome; Neoplastic Syndromes, Hereditary. Identifiers: Orphanet 140162, MedGen C0027672, MeSH D009386, MONDO:0015356.
Hereditary breast ovarian cancer syndrome. Also called: Hereditary breast and ovarian cancer; Breast and ovarian cancer; BRCA1- and BRCA2-Associated Hereditary Breast and Ovarian Cancer; Hereditary breast and/or ovarian cancer syndrome; Hereditary breast and ovarian cancer syndrome; Hereditary breast and ovarian cancer syndrome (HBOC). Identifiers: Orphanet 145, MedGen C0677776, MeSH D061325, MONDO:0003582. Disease mechanism: loss of function.

Submissions (2):

Ambry Genetics
Classification: Uncertain significance for Hereditary cancer-predisposing syndrome. Last evaluated: 2025-04-21. Review status: criteria provided, single submitter. Criteria: Ambry Variant Classification Scheme 2023. Collection method: clinical testing. Allele origin: germline.
Comment: The p.H1511Y variant (also known as c.4531C>T), located in coding exon 13 of the BRCA1 gene, results from a C to T substitution at nucleotide position 4531. The histidine at codon 1511 is replaced by tyrosine, an amino acid with similar properties. This amino acid position is not well conserved in available vertebrate species. In addition, the in silico prediction for this alteration is inconclusive. Based on the available evidence, the clinical significance of this variant remains unclear.

Labcorp Genetics (formerly Invitae), Labcorp
Classification: Uncertain significance for Hereditary breast ovarian cancer syndrome. Last evaluated: 2021-10-24. Review status: criteria provided, single submitter. Criteria: Invitae Variant Classification Sherloc (09022015). Collection method: clinical testing. Allele origin: germline.
Comment: In summary, the available evidence is currently insufficient to determine the role of this variant in disease. Therefore, it has been classified as a Variant of Uncertain Significance. Advanced modeling of protein sequence and biophysical properties (such as structural, functional, and spatial information, amino acid conservation, physicochemical variation, residue mobility, and thermodynamic stability) performed at Invitae indicates that this missense variant is not expected to disrupt BRCA1 protein function. This variant has not been reported in the literature in individuals affected with BRCA1-related conditions. This variant is not present in population databases (ExAC no frequency). This sequence change replaces histidine with tyrosine at codon 1511 of the BRCA1 protein (p.His1511Tyr). The histidine residue is moderately conserved and there is a moderate physicochemical difference between histidine and tyrosine.

NM_007294.4(BRCA1):c.4531C>T (p.His1511Tyr)

Gene: BRCA1 (BRCA1 DNA repair associated; minus strand). Cytogenetic location: 17q21.31.
Variant type: single nucleotide variant.
Coding change: c.4531C>T on transcript NM_007294.4 (MANE Select); coding-DNA position 4531, C replaced by T.
Protein change: p.His1511Tyr; replaces histidine 1511 with tyrosine.
Molecular consequence: missense variant. On other transcripts: non-coding transcript variant (1).
Genome position (GRCh38, 1-based): chr17:43,074,475, G>A on the plus strand (C>T on the coding strand, the complement: BRCA1 is on the minus strand). VCF-style: chr17-43074475-G-A. GRCh37 (hg19) VCF-style: chr17-41226492-G-A.
Other names: c.4318C>T, p.His1440Tyr (NM_001407571.1, NM_001407894.1, NM_001407895.1 and 12 more transcripts); c.4597C>T, p.His1533Tyr (NM_001407581.1, NM_001407582.1); c.4594C>T, p.His1532Tyr (NM_001407583.1, NM_001407585.1, NM_001407587.1 and 1 more transcripts); c.4591C>T, p.His1531Tyr (NM_001407590.1, NM_001407591.1); c.4531C>T, p.His1511Tyr (NM_001407593.1, NM_001407594.1, NM_001407596.1 and 8 more transcripts); c.4528C>T, p.His1510Tyr (NM_001407610.1, NM_001407611.1, NM_001407612.1 and 17 more transcripts); c.4525C>T, p.His1509Tyr (NM_001407627.1, NM_001407628.1, NM_001407629.1 and 14 more transcripts); c.4522C>T, p.His1508Tyr (NM_001407644.1, NM_001407645.1); and 68 more; short protein forms H1511Y, H1532Y, H407Y, H1464Y, H1215Y, H1382Y, H1383Y, H1400Y.
Identifiers: ClinVar variation 1461672 (VCV001461672.8), dbSNP rs2154019243, ClinGen allele CA10592456.